The following is an entry in ClinVar:

NM_003172.4(SURF1):c.591T>A (p.Ile197=)

Gene: SURF1 (SURF1 cytochrome c oxidase assembly factor; minus strand). Cytogenetic location: 9q34.2.
Variant type: single nucleotide variant.
Coding change: c.591T>A on transcript NM_003172.4 (MANE Select); coding-DNA position 591, T replaced by A.
Protein change: p.Ile197=; no amino-acid change (isoleucine 197 retained).
Molecular consequence: synonymous variant.
Genome position (GRCh38, 1-based): chr9:133,352,606, A>T on the plus strand (T>A on the coding strand, the complement: SURF1 is on the minus strand). VCF-style: chr9-133352606-A-T. GRCh37 (hg19) VCF-style: chr9-136219461-A-T.
Other names: c.264T>A, p.Ile88= (NM_001280787.1).
Identifiers: ClinVar variation 856179 (VCV000856179.8), dbSNP rs373355971, ClinGen allele CA200832419.

ClinVar aggregate classification (germline): Uncertain significance (1 of 4 stars; one submission).

Conditions:
Leigh syndrome (NULS). Also called: Leigh's necrotizing encephalopathy; Leigh's disease; Leigh Syndrome (mtDNA deletion); Subacute necrotizing encephalopathy; Necrotizing encephalopathy infantile subacute of Leigh; Leigh's syndrome. Identifiers: Orphanet 506, MedGen C2931891, MONDO:0009723, OMIM 256000.

Allele frequency attached by ClinVar (database versions not stated): ExAC 0.00003; gnomAD exomes 0.00004; ESP Exome Variant Server 0.00008; TOPMed 0.00014.
gnomAD v4.1: 42 of 1,613,982 alleles (0.0026%); highest among the groups gnomAD compares: African/African-American, 0.037%; no homozygotes.

Submissions (2):

Labcorp Genetics (formerly Invitae), Labcorp
Classification: Uncertain significance for Leigh syndrome. Last evaluated: 2022-09-27. Review status: criteria provided, single submitter. Criteria: Invitae Variant Classification Sherloc (09022015). Collection method: clinical testing. Allele origin: germline.
Comment: This sequence change affects codon 197 of the SURF1 mRNA. It is a 'silent' change, meaning that it does not change the encoded amino acid sequence of the SURF1 protein. This variant is present in population databases (rs373355971, gnomAD 0.03%). This variant has not been reported in the literature in individuals affected with SURF1-related conditions. ClinVar contains an entry for this variant (Variation ID: 856179). Algorithms developed to predict the effect of sequence changes on RNA splicing suggest that this variant may create or strengthen a splice site. In summary, the available evidence is currently insufficient to determine the role of this variant in disease. Therefore, it has been classified as a Variant of Uncertain Significance.

Dr. Peter K. Rogan Lab, Western University
No classification provided (evidence only). Condition: Uterine corpus endometrial carcinoma. Review status: no classification provided. Collection method: in vitro. Allele origin: not applicable. Functional consequence: retained intron. Not counted in ClinVar's aggregate classification.